The following is an entry in ClinVar:

ClinVar aggregate classification (germline): Uncertain significance (1 of 4 stars; one submission).

Conditions:
GP1BA-related disorder. Also called: GP1BA-related condition.

Submission:

PreventionGenetics, part of Exact Sciences
Classification: Uncertain significance for GP1BA-related condition. Last evaluated: 2025-04-10. Review status: criteria provided, single submitter. Criteria: ACMG Guidelines, 2015. Collection method: clinical testing. Allele origin: germline.
Comment: The GP1BA c.367G>T variant is predicted to result in the amino acid substitution p.Val123Phe. To our knowledge, this variant has not been reported in the literature. This variant is reported in 0.011% of alleles in individuals of African descent in gnomAD. At this time, the clinical significance of this variant is uncertain due to the absence of conclusive functional and genetic evidence.

NM_000173.7(GP1BA):c.367G>T (p.Val123Phe)

Gene: GP1BA (glycoprotein Ib platelet subunit alpha; plus strand). Cytogenetic location: 17p13.2.
Variant type: single nucleotide variant.
Coding change: c.367G>T on transcript NM_000173.7 (MANE Select); coding-DNA position 367, G replaced by T.
Protein change: p.Val123Phe; replaces valine 123 with phenylalanine.
Molecular consequence: missense variant.
Genome position (GRCh38, 1-based): chr17:4,932,971, G>T. VCF-style: chr17-4932971-G-T. GRCh37 (hg19) VCF-style: chr17-4836266-G-T.
Other names: short protein forms V123F.
Identifiers: ClinVar variation 4978713 (VCV004978713.1).
Genomic context (GRCh38, chr17:4,932,971, plus strand): 5'-AATCAGCTGCAAAGCCTGCCCTTGCTAGGGCAGACACTGCCTGCTCTCACCGTCCTGGAC[G>T]TCTCCTTCAACCGGCTGACCTCGCTGCCTCTTGGTGCCCTGCGTGGTCTTGGCGAACTCC-3'
Protein context (NP_000164.5, residues 113-133): QTLPALTVLD[Val123Phe]SFNRLTSLPL